The following is an entry in ClinVar:

NM_015267.4(CUX2):c.1623C>T (p.Gly541=)

Gene: CUX2 (cut like homeobox 2; plus strand). Cytogenetic location: 12q24.12.
Variant type: single nucleotide variant.
Coding change: c.1623C>T on transcript NM_015267.4 (MANE Select); coding-DNA position 1623, C replaced by T.
Protein change: p.Gly541=; no amino-acid change (glycine 541 retained).
Molecular consequence: synonymous variant.
Genome position (GRCh38, 1-based): chr12:111,310,405, C>T. VCF-style: chr12-111310405-C-T. GRCh37 (hg19) VCF-style: chr12-111748209-C-T.
Other names: c.1437C>T, p.Gly479= (NM_001370598.1).
Identifiers: ClinVar variation 4977140 (VCV004977140.1).
Genomic context (GRCh38, chr12:111,310,405, plus strand): 5'-CACCCCGGCCCCTGGCCCTGAGCCACTGGGCGGTCCTGAGCCCGCGGATGGTGGTGGGGG[C>T]GGAGCGGCGGGGCCCGGGGCAGAGGAGGAGCAGCTGGACACGGCAGAGATCGCCTTCCAG-3'
Protein context (NP_056082.2, residues 531-551): GGPEPADGGG[Gly541=]GAAGPGAEEE

ClinVar aggregate classification (germline): Likely benign (1 of 4 stars; one submission).

Conditions:
CUX2-related disorder. Also called: CUX2-related condition.

gnomAD v4.1: 33 of 1,609,964 alleles (0.002%); highest among the groups gnomAD compares: South Asian, 0.013%; no homozygotes.

Submission:

PreventionGenetics, part of Exact Sciences
Classification: Likely benign for CUX2-related condition. Last evaluated: 2024-11-18. Review status: criteria provided, single submitter. Criteria: ACMG Guidelines, 2015. Collection method: clinical testing. Allele origin: germline.
Comment: This variant is classified as likely benign based on ACMG/AMP sequence variant interpretation guidelines (Richards et al. 2015 PMID: 25741868, with internal and published modifications).